The following is an entry in ClinVar:

ClinVar aggregate classification (germline): Pathogenic/Likely pathogenic. Review status: criteria provided, multiple submitters, no conflicts (2 of 4 stars). 3 submissions from 3 submitters: Pathogenic (1); Likely pathogenic (2). Last evaluated 2023-10-24.

Conditions:
Fanconi anemia (FA). Also called: Fanconi's anemia. Identifiers: Orphanet 84, MedGen C0015625, MeSH D005199, MONDO:0019391.
Fanconi anemia complementation group A (FANCA). Also called: FANCA-Related Fanconi Anemia; Fanconi anemia, group A. Identifiers: Orphanet 84, MedGen C3469521, MONDO:0009215, OMIM 227650.

Submissions (3):

Labcorp Genetics (formerly Invitae), Labcorp
Classification: Pathogenic for Fanconi anemia. Last evaluated: 2023-10-24. Review status: criteria provided, single submitter. Criteria: Invitae Variant Classification Sherloc (09022015). Collection method: clinical testing. Allele origin: germline.
Comment: This sequence change creates a premature translational stop signal (p.Ala430Argfs*96) in the FANCA gene. It is expected to result in an absent or disrupted protein product. Loss-of-function variants in FANCA are known to be pathogenic (PMID: 19367192). This variant is not present in population databases (gnomAD no frequency). This variant has not been reported in the literature in individuals affected with FANCA-related conditions. For these reasons, this variant has been classified as Pathogenic.

Baylor Genetics
Classification: Likely pathogenic for Fanconi anemia complementation group A. Last evaluated: 2023-03-21. Review status: criteria provided, single submitter. Criteria: ACMG Guidelines, 2015. Collection method: clinical testing. Allele origin: unknown.

Juno Genomics, Hangzhou Juno Genomics, Inc
Classification: Likely pathogenic for Fanconi anemia complementation group A. Review status: criteria provided, single submitter. Criteria: ACMG Guidelines, 2015. Collection method: clinical testing. Allele origin: germline.
Comment: Null variant in a gene where loss of function (LOF) is a known mechanism of disease.;Absent from controls (or at extremely low frequency if recessive) in Genome Aggregation Database.

Literature cited by the submitters: PubMed 19367192 (cited by Labcorp Genetics (formerly Invitae), Labcorp).

NM_000135.4(FANCA):c.1287del (p.Ala430fs)

Gene: FANCA (FA complementation group A; minus strand). Cytogenetic location: 16q24.3.
Variant type: Deletion.
Coding change: c.1287del on transcript NM_000135.4 (MANE Select); coding-DNA position 1287, one base deleted (T; older notation c.1287delT).
Protein change: p.Ala430fs; shifts the reading frame from alanine 430.
Molecular consequence: frameshift variant.
Genome position (GRCh38, 1-based): chr16:89,791,475, A deleted on the plus strand (T on the coding strand, the reverse complement: FANCA is on the minus strand). VCF-style (leftmost placement, unchanged base first): chr16-89791474-CA-C. GRCh37 (hg19) VCF-style: chr16-89857882-CA-C.
Other names: c.1287del, p.Ala430fs (NM_001286167.3); short protein forms A430fs.
Identifiers: ClinVar variation 2675440 (VCV002675440.6), dbSNP rs2544270683, ClinGen allele CA2695201200.